The following is an entry in ClinVar:

NM_000260.4(MYO7A):c.2501G>A (p.Arg834His)

Gene: MYO7A (myosin VIIA; plus strand). Cytogenetic location: 11q13.5.
Variant type: single nucleotide variant.
Coding change: c.2501G>A on transcript NM_000260.4 (MANE Select); coding-DNA position 2501, G replaced by A.
Protein change: p.Arg834His; replaces arginine 834 with histidine.
Molecular consequence: missense variant.
Genome position (GRCh38, 1-based): chr11:77,179,868, G>A. VCF-style: chr11-77179868-G-A. GRCh37 (hg19) VCF-style: chr11-76890914-G-A.
Other names: c.2501G>A, p.Arg834His (NM_001127180.2); c.2468G>A, p.Arg823His (NM_001369365.1); c.2501G>A (NM_000260.3); short protein forms R823H, R834H.
Identifiers: ClinVar variation 1398286 (VCV001398286.8), dbSNP rs569858361, ClinGen allele CA6197854.
Genomic context (GRCh38, chr11:77,179,868, plus strand): 5'-GCCAGCGCATCATCCAGTTCCAGGCCCGCTGCCGCGCCTATCTGGTGCGCAAGGCCTTCC[G>A]CCACCGCCTCTGGGCTGTGCTCACCGTGCAGGCCTATGCCCGGGGCATGATCGCCCGCAG-3'
Protein context (NP_000251.3, residues 824-844): CRAYLVRKAF[Arg834His]HRLWAVLTVQ

ClinVar aggregate classification (germline): Uncertain significance. Review status: criteria provided, multiple submitters, no conflicts (2 of 4 stars). 2 submissions from 2 submitters: Uncertain significance (2). Last evaluated 2025-04-17.

Conditions:
Inborn genetic diseases. Identifiers: MedGen C0950123, MeSH D030342.

Allele frequency attached by ClinVar (database versions not stated): TOPMed below 0.00001; gnomAD 0.00001; gnomAD exomes 0.00002; 1000 Genomes Project 30x 0.00016; ExAC 0.00016; 1000 Genomes Project 0.00040.
gnomAD v4.1: 7 of 1,541,196 alleles (0.00045%); highest among the groups gnomAD compares: South Asian, 0.0071%; no homozygotes.

Submissions (2):

Labcorp Genetics (formerly Invitae), Labcorp
Classification: Uncertain significance. Last evaluated: 2025-04-17. Review status: criteria provided, single submitter. Criteria: Invitae Variant Classification Sherloc (09022015). Collection method: clinical testing. Allele origin: germline.
Comment: This sequence change replaces arginine, which is basic and polar, with histidine, which is basic and polar, at codon 834 of the MYO7A protein (p.Arg834His). The frequency data for this variant in the population databases is considered unreliable, as metrics indicate poor data quality at this position in the gnomAD database. This variant has not been reported in the literature in individuals affected with MYO7A-related conditions. ClinVar contains an entry for this variant (Variation ID: 1398286). Invitae Evidence Modeling of protein sequence and biophysical properties (such as structural, functional, and spatial information, amino acid conservation, physicochemical variation, residue mobility, and thermodynamic stability) indicates that this missense variant is not expected to disrupt MYO7A protein function with a negative predictive value of 95%. In summary, the available evidence is currently insufficient to determine the role of this variant in disease. Therefore, it has been classified as a Variant of Uncertain Significance.

Ambry Genetics
Classification: Uncertain significance for Inborn genetic diseases. Last evaluated: 2024-10-17. Review status: criteria provided, single submitter. Criteria: Ambry Variant Classification Scheme 2023. Collection method: clinical testing. Allele origin: germline.